The following is an entry in ClinVar:

NM_001379500.1(COL18A1):c.2113C>G (p.Pro705Ala)

Gene: COL18A1 (collagen type XVIII alpha 1 chain; plus strand). Cytogenetic location: 21q22.3.
Variant type: single nucleotide variant.
Coding change: c.2113C>G on transcript NM_001379500.1 (MANE Select); coding-DNA position 2113, C replaced by G.
Protein change: p.Pro705Ala; replaces proline 705 with alanine.
Molecular consequence: missense variant.
Genome position (GRCh38, 1-based): chr21:45,491,270, C>G. VCF-style: chr21-45491270-C-G. GRCh37 (hg19) VCF-style: chr21-46911184-C-G.
Other names: c.2653C>G, p.Pro885Ala (NM_030582.4); c.3358C>G, p.Pro1120Ala (NM_130444.3); short protein forms P1120A, P885A, P705A.
Identifiers: ClinVar variation 1416431 (VCV001416431.3), dbSNP rs765760874, ClinGen allele CA10066808.

ClinVar aggregate classification (germline): Uncertain significance (1 of 4 stars; one submission).

gnomAD v4.1: 6 of 1,612,222 alleles (0.00037%); highest among the groups gnomAD compares: East Asian, 0.0067%; no homozygotes.

Submission:

Labcorp Genetics (formerly Invitae), Labcorp
Classification: Uncertain significance. Last evaluated: 2022-07-19. Review status: criteria provided, single submitter. Criteria: Invitae Variant Classification Sherloc (09022015). Collection method: clinical testing. Allele origin: germline.
Comment: This sequence change replaces proline, which is neutral and non-polar, with alanine, which is neutral and non-polar, at codon 705 of the COL18A1 protein (p.Pro705Ala). This variant is present in population databases (rs765760874, gnomAD 0.02%). This variant has not been reported in the literature in individuals affected with COL18A1-related conditions. ClinVar contains an entry for this variant (Variation ID: 1416431). Experimental studies and prediction algorithms are not available or were not evaluated, and the functional significance of this variant is currently unknown. In summary, the available evidence is currently insufficient to determine the role of this variant in disease. Therefore, it has been classified as a Variant of Uncertain Significance.